The following is an entry in ClinVar:

NM_015102.5(NPHP4):c.1042_1043dup (p.Met348fs)

Gene: NPHP4 (nephrocystin 4; minus strand). Cytogenetic location: 1p36.31.
Variant type: Duplication.
Coding change: c.1042_1043dup on transcript NM_015102.5 (MANE Select); coding-DNA positions 1042 to 1043, 2 bases duplicated (AT; older notation c.1042_1043dupAT).
Protein change: p.Met348fs; shifts the reading frame from methionine 348.
Molecular consequence: frameshift variant. On other transcripts: 5 prime UTR variant (2), non-coding transcript variant (1).
Genome position (GRCh38, 1-based): chr1:5,947,180-5,947,181, AT duplicated on the plus strand (AT on the coding strand, the reverse complement: NPHP4 is on the minus strand). VCF-style (leftmost placement, unchanged base first): chr1-5947179-C-CAT. GRCh37 (hg19) VCF-style: chr1-6007239-C-CAT.
Other names: c.-325_-324dup (NM_001291593.2, NM_001291594.2); short protein forms M348fs.
Identifiers: ClinVar variation 929940 (VCV000929940.5), dbSNP rs1647148516, ClinGen allele CA1139655928.

ClinVar aggregate classification (germline): Likely pathogenic (1 of 4 stars; one submission).

Conditions:
Nephronophthisis. Also called: Juvenile Nephronophthisis. Identifiers: Orphanet 655, MedGen C0687120, MONDO:0019005, HP:0000090.

Allele frequency attached by ClinVar (database versions not stated): gnomAD exomes below 0.00001.

Submission:

Laboratory for Molecular Medicine, Mass General Brigham Personalized Medicine
Classification: Likely pathogenic for Nephronophthisis. Last evaluated: 2022-02-22. Review status: criteria provided, single submitter. Criteria: ACMG Guidelines, 2015. Collection method: clinical testing. Allele origin: germline. Inheritance: Autosomal recessive inheritance.
Comment: The p.Met348IlefsX59 variant in NPHP4 has not been previously reported in individuals with nephronophthisis and was absent from large population studies. This variant is predicted to cause a frameshift, which alters the protein’s amino acid sequence beginning at position 348 and leads to a premature termination codon 59 amino acids downstream. This alteration is then predicted to lead to a truncated or absent protein. Loss of function of the NPHP4 gene is an established disease mechanism in autosomal recessive nephronophthisis. In summary, although additional studies are required to fully establish its clinical significance, this variant meets criteria to be classified as likely pathogenic for autosomal recessive nephronophthisis. ACMG/AMP Criteria applied: PM2_P, PVS1